The following is an entry in ClinVar:

NM_001135649.3(FOXI3):c.718C>T (p.Arg240Cys)

Gene: FOXI3 (forkhead box I3; minus strand). Cytogenetic location: 2p11.2.
Variant type: single nucleotide variant.
Coding change: c.718C>T on transcript NM_001135649.3 (MANE Select); coding-DNA position 718, C replaced by T.
Protein change: p.Arg240Cys; replaces arginine 240 with cysteine.
Molecular consequence: missense variant.
Genome position (GRCh38, 1-based): chr2:88,448,752, G>A on the plus strand (C>T on the coding strand, the complement: FOXI3 is on the minus strand). VCF-style: chr2-88448752-G-A. GRCh37 (hg19) VCF-style: chr2-88748271-G-A.
Other names: short protein forms R240C.
Identifiers: ClinVar variation 2431340 (VCV002431340.16), dbSNP rs1451029499, ClinGen allele CA347765418.

ClinVar aggregate classification (germline): Uncertain significance. Review status: criteria provided, single submitter (1 of 4 stars). 4 submissions from 3 submitters: Uncertain significance (1). 3 of the submissions do not count toward it. Last evaluated 2023-03-03.

Conditions:
Craniofacial microsomia. Also called: Goldenhar syndrome. Identifiers: Orphanet 141132, MedGen C0265240, MONDO:0015397.
Craniofacial microsomia 2 (CFM2). Identifiers: MedGen C5781610, MONDO:0958194, OMIM 620444.
Craniofacial microsomia 1 (CFM1). Also called: Hemifacial microsomia. Identifiers: Orphanet 374, MedGen C3495417, MONDO:0958175, OMIM 164210.

Allele frequency attached by ClinVar (database versions not stated): gnomAD exomes below 0.00001.
gnomAD v4.1: 5 of 1,551,868 alleles (0.00032%); highest among the groups gnomAD compares: South Asian, 0.0048%; no homozygotes.

Submissions (4):

Labcorp Genetics (formerly Invitae), Labcorp
Classification: Uncertain significance. Last evaluated: 2023-03-03. Review status: criteria provided, single submitter. Criteria: Invitae Variant Classification Sherloc (09022015). Collection method: clinical testing. Allele origin: germline.
Comment: This missense change has been observed in individual(s) with clinical features of FOXI3-related conditions (PMID: 36260083). This variant is not present in population databases (gnomAD no frequency). This sequence change replaces arginine, which is basic and polar, with cysteine, which is neutral and slightly polar, at codon 240 of the FOXI3 protein (p.Arg240Cys). In summary, the available evidence is currently insufficient to determine the role of this variant in disease. Therefore, it has been classified as a Variant of Uncertain Significance. Experimental studies have shown that this missense change affects FOXI3 function (PMID: 36260083). Algorithms developed to predict the effect of variants on protein structure and function are not available or were not evaluated for this variant.

OMIM
Classification: Pathogenic for CRANIOFACIAL MICROSOMIA 2. Last evaluated: 2023-07-13. Review status: no assertion criteria provided. Collection method: literature only. Allele origin: germline. Not counted in ClinVar's aggregate classification.

ZhangYB Lab, Beihang University
Classification: Likely pathogenic for Craniofacial microsomia 1. Last evaluated: 2022-03-06. Review status: no assertion criteria provided. Collection method: research. Allele origin: germline, not applicable. Inheritance: Autosomal dominant inheritance. Affected: yes. Observed: 1 heterozygote. Not counted in ClinVar's aggregate classification.

ZhangYB Lab, Beihang University
Classification: Likely pathogenic for Craniofacial Microsomia. Review status: no assertion criteria provided. Collection method: research. Allele origin: germline. Affected: yes. Not counted in ClinVar's aggregate classification.

Literature cited by the submitters: PubMed 36260083 (cited by Labcorp Genetics (formerly Invitae), Labcorp and OMIM); PubMed 37041148 (cited by OMIM).